The following is an entry in ClinVar:

NM_000038.6(APC):c.3759T>C (p.Ser1253=)

Gene: APC (APC regulator of Wnt signaling pathway; plus strand). Cytogenetic location: 5q22.2.
Variant type: single nucleotide variant.
Coding change: c.3759T>C on transcript NM_000038.6 (MANE Select); coding-DNA position 3759, T replaced by C.
Protein change: p.Ser1253=; no amino-acid change (serine 1253 retained).
Molecular consequence: synonymous variant.
Genome position (GRCh38, 1-based): chr5:112,839,353, T>C. VCF-style: chr5-112839353-T-C. GRCh37 (hg19) VCF-style: chr5-112175050-T-C.
Other names: c.3759T>C, p.Ser1253= (NM_001127510.3, NM_001354895.2); c.3705T>C, p.Ser1235= (NM_001127511.3); c.3813T>C, p.Ser1271= (NM_001354896.2); c.3789T>C, p.Ser1263= (NM_001354897.2); c.3684T>C, p.Ser1228= (NM_001354898.2); c.3675T>C, p.Ser1225= (NM_001354899.2); c.3636T>C, p.Ser1212= (NM_001354900.2); c.3582T>C, p.Ser1194= (NM_001354901.2); and 5 more.
Identifiers: ClinVar variation 516606 (VCV000516606.17), dbSNP rs1214264655, ClinGen allele CA445963677.

ClinVar aggregate classification (germline): Benign/Likely benign. Review status: criteria provided, multiple submitters, no conflicts (2 of 4 stars). 6 submissions from 6 submitters: Benign (1); Likely benign (5). Last evaluated 2025-10-24.

Conditions:
Hereditary cancer-predisposing syndrome. Also called: Tumor predisposition; Hereditary neoplastic syndrome; Neoplastic Syndromes, Hereditary; Hereditary Cancer Syndrome. Identifiers: Orphanet 140162, MedGen C0027672, MeSH D009386, MONDO:0015356.
Familial adenomatous polyposis 1 (FAP1). Also called: POLYPOSIS, ADENOMATOUS INTESTINAL; FAMILIAL ADENOMATOUS POLYPOSIS 1, ATTENUATED. Identifiers: MedGen C2713442, MONDO:0021056, OMIM 175100. Disease mechanism: loss of function.
Classic or attenuated familial adenomatous polyposis. Identifiers: MedGen CN372698, MONDO:0021057.

Allele frequency attached by ClinVar (database versions not stated): gnomAD 0.00002; TOPMed 0.00002.
gnomAD v4.1: 3 of 1,613,126 alleles (0.00019%); highest among the groups gnomAD compares: African/African-American, 0.004%; no homozygotes.

Submissions (6):

Labcorp Genetics (formerly Invitae), Labcorp
Classification: Likely benign for Familial adenomatous polyposis 1. Last evaluated: 2025-10-24. Review status: criteria provided, single submitter. Criteria: Invitae Variant Classification Sherloc (09022015). Collection method: clinical testing. Allele origin: germline.

Myriad Genetics, Inc.
Classification: Benign for Familial adenomatous polyposis 1. Last evaluated: 2024-03-22. Review status: criteria provided, single submitter. Criteria: Myriad Autosomal Dominant, Autosomal Recessive and X-Linked Classification Criteria (2023). Collection method: clinical testing. Allele origin: unknown.
Comment: This variant is considered benign. This variant is a silent/synonymous amino acid change and it is not expected to impact splicing.

All of Us Research Program, National Institutes of Health
Classification: Likely benign for Classic or attenuated familial adenomatous polyposis. Last evaluated: 2023-04-03. Review status: criteria provided, single submitter. Criteria: ACMG Guidelines, 2015. Collection method: clinical testing. Allele origin: germline. Inheritance: Autosomal dominant inheritance. Observed: 1 variant allele, 1 heterozygote.
Comment: This study involves interpretation of variants in research participants for the purpose of population health screening. Participant phenotype was not available at the time of variant classification. Additional details can be found in publication PMID: 35346344, PMCID: PMC8962531

Color Diagnostics, LLC DBA Color Health
Classification: Likely benign for Hereditary cancer-predisposing syndrome. Last evaluated: 2022-06-09. Review status: criteria provided, single submitter. Criteria: ACMG Guidelines, 2015. Collection method: clinical testing. Allele origin: germline.

Ambry Genetics
Classification: Likely benign for Hereditary cancer-predisposing syndrome. Last evaluated: 2020-09-15. Review status: criteria provided, single submitter. Criteria: Ambry Variant Classification Scheme 2023. Collection method: clinical testing. Allele origin: germline.

GeneDx
Classification: Likely benign. Last evaluated: 2017-07-31. Review status: criteria provided, single submitter. Criteria: GeneDx Variant Classification (06012015). Collection method: clinical testing. Allele origin: germline. Affected: yes.
Comment: This variant is considered likely benign or benign based on one or more of the following criteria: it is a conservative change, it occurs at a poorly conserved position in the protein, it is predicted to be benign by multiple in silico algorithms, and/or has population frequency not consistent with disease.